The following is an entry in ClinVar:

NM_005121.3(MED13):c.3786_3787insAA (p.Pro1263fs)

Gene: MED13 (mediator complex subunit 13; minus strand). Cytogenetic location: 17q23.2.
Variant type: Insertion.
Coding change: c.3786_3787insAA on transcript NM_005121.3 (MANE Select); coding-DNA positions 3786 to 3787, AA inserted.
Protein change: p.Pro1263fs; shifts the reading frame from proline 1263.
Molecular consequence: frameshift variant.
Genome position: GRCh38 VCF-style: chr17-61982216-G-GTT. GRCh37 (hg19) VCF-style: chr17-60059577-G-GTT.
Other names: short protein forms P1263fs.
Identifiers: ClinVar variation 2444160 (VCV002444160.1), dbSNP rs2509275463, ClinGen allele CA2580094524.

ClinVar aggregate classification (germline): Likely pathogenic (1 of 4 stars; one submission).

Conditions:
Intellectual developmental disorder 61. Also called: MENTAL RETARDATION, AUTOSOMAL DOMINANT 61; INTELLECTUAL DEVELOPMENTAL DISORDER, AUTOSOMAL DOMINANT 61. Identifiers: MedGen C5231400, MONDO:0032485, OMIM 618009.

Submission:

3billion
Classification: Likely pathogenic for Intellectual developmental disorder 61. Last evaluated: 2023-02-23. Review status: criteria provided, single submitter. Criteria: ACMG Guidelines, 2015. Collection method: clinical testing. Allele origin: unknown. Affected: yes.
Comment: The variant is not observed in the gnomAD v2.1.1 dataset. This variant was predicted to result in a loss or disruption of normal protein function through nonsense-mediated decay (NMD) or protein truncation. Multiple pathogenic variants are reported downstream of the variant. Therefore, this variant is classified as Likely pathogenic according to the recommendation of ACMG/AMP guideline.